The following is an entry in ClinVar:

ClinVar aggregate classification (germline): Pathogenic/Likely pathogenic. Review status: criteria provided, multiple submitters, no conflicts (2 of 4 stars). 2 submissions from 2 submitters: Pathogenic (1); Likely pathogenic (1). Last evaluated 2023-05-05.

Conditions:
Arthrogryposis multiplex congenita 6. Identifiers: MedGen C5543431, MONDO:0030281, OMIM 619334.
Nemaline myopathy 2 (NEM2). Also called: Nemaline myopathy 2, autosomal recessive. Identifiers: MedGen C1850569, MONDO:0009725, OMIM 256030.

Submissions (2):

Baylor Genetics
Classification: Likely pathogenic for Arthrogryposis multiplex congenita 6. Last evaluated: 2023-05-05. Review status: criteria provided, single submitter. Criteria: ACMG Guidelines, 2015. Collection method: clinical testing. Allele origin: unknown.

Labcorp Genetics (formerly Invitae), Labcorp
Classification: Pathogenic for Nemaline myopathy 2. Last evaluated: 2022-06-15. Review status: criteria provided, single submitter. Criteria: Invitae Variant Classification Sherloc (09022015). Collection method: clinical testing. Allele origin: germline.
Comment: This sequence change affects a donor splice site in intron 18 of the NEB gene. It is expected to disrupt RNA splicing. Variants that disrupt the donor or acceptor splice site typically lead to a loss of protein function (PMID: 16199547), and loss-of-function variants in NEB are known to be pathogenic (PMID: 25205138). This variant is not present in population databases (gnomAD no frequency). Disruption of this splice site has been observed in individuals with nemaline myopathy (PMID: 25205138). ClinVar contains an entry for this variant (Variation ID: 651953). Algorithms developed to predict the effect of sequence changes on RNA splicing suggest that this variant may disrupt the consensus splice site. For these reasons, this variant has been classified as Pathogenic.

Literature cited by the submitters: PubMed 16199547 (cited by Labcorp Genetics (formerly Invitae), Labcorp); PubMed 25205138 (cited by Labcorp Genetics (formerly Invitae), Labcorp).

NM_001164508.2(NEB):c.1674+1G>A

Gene: NEB (nebulin; minus strand). Cytogenetic location: 2q23.3.
Variant type: single nucleotide variant.
Coding change: c.1674+1G>A on transcript NM_001164508.2 (MANE Select); the canonical splice donor site of the intron after coding-DNA position 1674, G replaced by A.
Molecular consequence: splice donor variant.
Genome position (GRCh38, 1-based): chr2:151,695,577, C>T on the plus strand (G>A on the coding strand, the complement: NEB is on the minus strand). VCF-style: chr2-151695577-C-T. GRCh37 (hg19) VCF-style: chr2-152552091-C-T.
Other names: c.1674+1G>A (NM_004543.5, NM_001164507.2, NM_001271208.2).
Identifiers: ClinVar variation 651953 (VCV000651953.7), dbSNP rs750585238, ClinGen allele CA348824805.
Genomic context (GRCh38, chr2:151,695,577, plus strand): 5'-GTTCAAACATAAAAGCACAGGTTGTCAGTACATCACATGGTACAGGGCATAAGGAACTTA[C>T]ATCACTCAAGTTATAGGCATTGACTTTGTGCTGGATAAAAGCAGGAGTATCAGGGGGGAT-3'